The following is an entry in ClinVar:

ClinVar aggregate classification (germline): Pathogenic/Likely pathogenic. Review status: criteria provided, multiple submitters, no conflicts (2 of 4 stars). 5 submissions from 5 submitters: Pathogenic (1); Likely pathogenic (1). 3 of the submissions do not count toward it. Last evaluated 2026-09-25.

Conditions:
Brain small vessel disease 1 with or without ocular anomalies (BSVD1). Also called: PORENCEPHALY, TYPE 1, AUTOSOMAL DOMINANT; BRAIN SMALL VESSEL DISEASE WITH HEMORRHAGE; GOULD SYNDROME 1; Brain small vessel disease with or without ocular anomalies. Identifiers: Orphanet 2940, Orphanet 36383, Orphanet 99810, MedGen C4755307, MONDO:0008289, OMIM 175780.

Allele frequency attached by ClinVar (database versions not stated): gnomAD exomes below 0.00001.
gnomAD v4.1: 2 of 1,614,074 alleles (0.00012%); highest among the groups gnomAD compares: Non-Finnish European, 0.00017%; no homozygotes.

Submissions (5):

GeneDx
Classification: Pathogenic. Last evaluated: 2026-09-25. Review status: criteria provided, single submitter. Criteria: GeneDx Variant Classification Process June 2021. Collection method: clinical testing. Allele origin: germline.
Comment: Reported in 3 members of a family with porencephaly; Affects a glycine residue in a Gly-X-Y motif in the triple helical region of the COL4A1 gene, where the majority of pathogenic missense variants occur, and is predicted to disrupt normal protein folding and function (HGMD, PMIDs: 22522439, 23225343); In silico analysis supports that this missense variant has a deleterious effect on protein structure/function; Not observed at significant frequency in large population cohorts (gnomAD); This variant is associated with the following publications: (PMID: 20166936, 17696175, 15136694, 22914737, 33013618, 27794444, 30284656, 20818663, 26686511, 30413629, 21500141, 15905400, 23225343, 22522439)

Juno Genomics, Hangzhou Juno Genomics, Inc
Classification: Likely pathogenic for Brain small vessel disease 1 with or without ocular anomalies. Review status: criteria provided, single submitter. Criteria: ACMG Guidelines, 2015. Collection method: clinical testing. Allele origin: germline. Affected: yes.
Comment: Absent from controls (or at extremely low frequency if recessive) in Genome Aggregation Database.;Multiple lines of computational evidence support a deleterious effect on the gene or gene product.;Missense variant in a gene that has a low rate of benign missense variation.;Located in a mutational hot spot and/or critical and well-established functional domain without benign variation.;The prevalence of the variant in affected individuals is significantly increased compared to the prevalence in controls.;Co-segregation with disease in multiple affected family members.

Biochemical Molecular Genetic Laboratory, King Abdulaziz Medical City
Classification: Pathogenic for Brain small vessel disease 1 with or without ocular anomalies. Last evaluated: 2020-05-06. Review status: no assertion criteria provided. Collection method: clinical testing. Allele origin: germline. Affected: yes. Not counted in ClinVar's aggregate classification.

OMIM
Classification: Pathogenic for BRAIN SMALL VESSEL DISEASE 1 WITHOUT OCULAR ANOMALIES. Last evaluated: 2005-05-20. Review status: no assertion criteria provided. Collection method: literature only. Allele origin: germline. Not counted in ClinVar's aggregate classification.

GeneReviews
No classification provided. Condition: Brain small vessel disease 1 with or without ocular anomalies. Review status: no classification provided. Collection method: literature only. Allele origin: unknown. Not counted in ClinVar's aggregate classification.

Literature cited by the submitters: PubMed 15136694 (cited by OMIM); PubMed 15905400 (cited by OMIM); PubMed 20301768 (cited by GeneReviews); NCBI Bookshelf NBK7046 (cited by GeneReviews).

NM_001845.6(COL4A1):c.2245G>A (p.Gly749Ser)

Gene: COL4A1 (collagen type IV alpha 1 chain; minus strand). Cytogenetic location: 13q34.
Variant type: single nucleotide variant.
Coding change: c.2245G>A on transcript NM_001845.6 (MANE Select); coding-DNA position 2245, G replaced by A.
Protein change: p.Gly749Ser; replaces glycine 749 with serine.
Molecular consequence: missense variant.
Genome position (GRCh38, 1-based): chr13:110,179,370, C>T on the plus strand (G>A on the coding strand, the complement: COL4A1 is on the minus strand). VCF-style: chr13-110179370-C-T. GRCh37 (hg19) VCF-style: chr13-110831717-C-T.
Other names: short protein forms G749S.
Identifiers: ClinVar variation 17413 (VCV000017413.10), dbSNP rs113994109, ClinGen allele CA341446.